The following is an entry in ClinVar:

ClinVar aggregate classification (germline): Benign (0 of 4 stars; one submission).

Conditions:
ANKRD6-related disorder. Also called: ANKRD6-related condition.

Allele frequency attached by ClinVar (database versions not stated): gnomAD exomes 0.49453; ESP Exome Variant Server 0.51419; ExAC 0.52865; gnomAD 0.53799; TOPMed 0.55365; 1000 Genomes Project 30x 0.59884; 1000 Genomes Project 0.60084.
gnomAD v4.1: 805,729 of 1,613,514 alleles (50%); highest among the groups gnomAD compares: East Asian, 92%; 208,020 homozygotes.

Submission:

PreventionGenetics, part of Exact Sciences
Classification: Benign for ANKRD6-related condition. Last evaluated: 2019-10-17. Review status: no assertion criteria provided. Collection method: clinical testing. Allele origin: germline.
Comment: This variant is classified as benign based on ACMG/AMP sequence variant interpretation guidelines (Richards et al. 2015 PMID: 25741868, with internal and published modifications).

NM_001242809.2(ANKRD6):c.1737G>A (p.Ser579=)

Gene: ANKRD6 (ankyrin repeat domain 6; plus strand). Cytogenetic location: 6q15.
Variant type: single nucleotide variant.
Coding change: c.1737G>A on transcript NM_001242809.2 (MANE Select); coding-DNA position 1737, G replaced by A.
Protein change: p.Ser579=; no amino-acid change (serine 579 retained).
Molecular consequence: synonymous variant.
Genome position (GRCh38, 1-based): chr6:89,630,557, G>A. VCF-style: chr6-89630557-G-A. GRCh37 (hg19) VCF-style: chr6-90340276-G-A.
Other names: c.1737G>A, p.Ser579= (NM_001242811.1); c.1632G>A, p.Ser544= (NM_001242813.1); c.1545G>A, p.Ser515= (NM_001242814.1); c.1722G>A, p.Ser574= (NM_014942.4).
Identifiers: ClinVar variation 3059554 (VCV003059554.2), dbSNP rs3210511, ClinGen allele CA3921637.